The following is an entry in ClinVar:

NM_001371928.1(AHDC1):c.1334C>T (p.Pro445Leu)

Gene: AHDC1 (AT-hook DNA binding motif containing 1; minus strand). Cytogenetic location: 1p36.11.
Variant type: single nucleotide variant.
Coding change: c.1334C>T on transcript NM_001371928.1 (MANE Select); coding-DNA position 1334, C replaced by T.
Protein change: p.Pro445Leu; replaces proline 445 with leucine.
Molecular consequence: missense variant.
Genome position (GRCh38, 1-based): chr1:27,550,782, G>A on the plus strand (C>T on the coding strand, the complement: AHDC1 is on the minus strand). VCF-style: chr1-27550782-G-A. GRCh37 (hg19) VCF-style: chr1-27877293-G-A.
Other names: c.1334C>T, p.Pro445Leu (NM_001029882.3); short protein forms P445L.
Identifiers: ClinVar variation 1985177 (VCV001985177.5), dbSNP rs769112180, ClinGen allele CA715964.

ClinVar aggregate classification (germline): Conflicting classifications of pathogenicity. Review status: criteria provided, conflicting classifications (1 of 4 stars). 2 submissions from 2 submitters: Uncertain significance (1); Likely benign (1). Last evaluated 2025-08-21.

Conditions:
Inborn genetic diseases. Identifiers: MedGen C0950123, MeSH D030342.

Allele frequency attached by ClinVar (database versions not stated): TOPMed 0.00003; gnomAD 0.00004; ExAC 0.00008.
gnomAD v4.1: 96 of 1,567,972 alleles (0.0061%); highest among the groups gnomAD compares: Non-Finnish European, 0.0077%; no homozygotes.

Submissions (2):

Labcorp Genetics (formerly Invitae), Labcorp
Classification: Uncertain significance. Last evaluated: 2025-08-21. Review status: criteria provided, single submitter. Criteria: Invitae Variant Classification Sherloc (09022015). Collection method: clinical testing. Allele origin: germline.
Comment: This sequence change replaces proline, which is neutral and non-polar, with leucine, which is neutral and non-polar, at codon 445 of the AHDC1 protein (p.Pro445Leu). This variant is present in population databases (rs769112180, gnomAD 0.005%). This variant has not been reported in the literature in individuals affected with AHDC1-related conditions. ClinVar contains an entry for this variant (Variation ID: 1985177). An algorithm developed to predict the effect of missense changes on protein structure and function outputs the following: PolyPhen-2: "Possibly Damaging". The leucine amino acid residue is found in multiple mammalian species, which suggests that this missense change does not adversely affect protein function. In summary, the available evidence is currently insufficient to determine the role of this variant in disease. Therefore, it has been classified as a Variant of Uncertain Significance.

Ambry Genetics
Classification: Likely benign for Inborn genetic diseases. Last evaluated: 2022-04-01. Review status: criteria provided, single submitter. Criteria: Ambry Variant Classification Scheme 2023. Collection method: clinical testing. Allele origin: germline.